The following is an entry in ClinVar:

NM_002137.4(HNRNPA2B1):c.830A>G (p.Asn277Ser)

Gene: HNRNPA2B1 (heterogeneous nuclear ribonucleoprotein A2/B1; minus strand). Cytogenetic location: 7p15.2.
Variant type: single nucleotide variant.
Coding change: c.830A>G on transcript NM_002137.4 (MANE Select); coding-DNA position 830, A replaced by G.
Protein change: p.Asn277Ser; replaces asparagine 277 with serine.
Molecular consequence: missense variant.
Genome position (GRCh38, 1-based): chr7:26,193,586, T>C on the plus strand (A>G on the coding strand, the complement: HNRNPA2B1 is on the minus strand). VCF-style: chr7-26193586-T-C. GRCh37 (hg19) VCF-style: chr7-26233206-T-C.
Other names: c.866A>G, p.Asn289Ser (NM_031243.4); short protein forms N277S, N289S.
Identifiers: ClinVar variation 2627175 (VCV002627175.3), dbSNP rs367958673, ClinGen allele CA4194459.

ClinVar aggregate classification (germline): Uncertain significance. Review status: criteria provided, multiple submitters, no conflicts (2 of 4 stars). 2 submissions from 2 submitters: Uncertain significance (2). Last evaluated 2025-10-02.

Conditions:
Inclusion body myopathy with early-onset Paget disease with or without frontotemporal dementia 2 (IBMPFD2). Also called: MULTISYSTEM PROTEINOPATHY 2. Identifiers: MedGen C3809468, MONDO:0014178, OMIM 615422.

Allele frequency attached by ClinVar (database versions not stated): TOPMed 0.00001; ESP Exome Variant Server 0.00008; ExAC 0.00002.
gnomAD v4.1: 17 of 1,590,578 alleles (0.0011%); highest among the groups gnomAD compares: Non-Finnish European, 0.0014%; no homozygotes.

Submissions (2):

Labcorp Genetics (formerly Invitae), Labcorp
Classification: Uncertain significance for Inclusion body myopathy with early-onset Paget disease with or without frontotemporal dementia 2. Last evaluated: 2025-10-02. Review status: criteria provided, single submitter. Criteria: Invitae Variant Classification Sherloc (09022015). Collection method: clinical testing. Allele origin: germline.
Comment: This sequence change replaces asparagine, which is neutral and polar, with serine, which is neutral and polar, at codon 289 of the HNRNPA2B1 protein (p.Asn289Ser). This variant is present in population databases (rs367958673, gnomAD 0.005%). This missense change has been observed in individual(s) with frontotemporal dementia (PMID: 34020145). ClinVar contains an entry for this variant (Variation ID: 2627175). Invitae Evidence Modeling of protein sequence and biophysical properties (such as structural, functional, and spatial information, amino acid conservation, physicochemical variation, residue mobility, and thermodynamic stability) indicates that this missense variant is not expected to disrupt HNRNPA2B1 protein function with a negative predictive value of 80%. In summary, the available evidence is currently insufficient to determine the role of this variant in disease. Therefore, it has been classified as a Variant of Uncertain Significance.

Women's Health and Genetics/Laboratory Corporation of America, LabCorp
Classification: Uncertain significance. Last evaluated: 2023-09-08. Review status: criteria provided, single submitter. Criteria: LabCorp Variant Classification Summary - May 2015. Collection method: clinical testing. Allele origin: germline.
Comment: Variant summary: HNRNPA2B1 c.866A>G (p.Asn289Ser) results in a conservative amino acid change in the encoded protein sequence. Four of five in-silico tools predict a benign effect of the variant on protein function. Consensus agreement among computation tools predict no significant impact on normal splicing. However, these predictions have yet to be confirmed by functional studies. The variant allele was found at a frequency of 2.2e-05 in 226958 control chromosomes (i.e., 5 heterozygotes; gnomAD). The available data on variant occurrences in the general population are insufficient to allow any conclusion about variant significance. c.866A>G has been reported in the literature in an individual affected with dementia and Parkinsonism (e.g., Vacchiano_2021) and an individual affected with amyotrophic lateral sclerosis (ALS; Ross_2023, no PMID), however without strong evidence for causality (e.g., lack of co-segregation data) in both instances. These reports therefore do not provide unequivocal conclusions about association of the variant with HNRNPA2B1-Related Disorders. To our knowledge, no experimental evidence demonstrating an impact on protein function has been reported. The following publication was ascertained in the context of this evaluation (PMID: 34020145). No submitters have reported clinical-significance assessments for this variant to ClinVar after 2014. Based on the evidence outlined above, the variant was classified as uncertain significance.

Literature cited by the submitters: PubMed 34020145 (cited by Labcorp Genetics (formerly Invitae), Labcorp and Women's Health and Genetics/Laboratory Corporation of America, LabCorp).